The following is an entry in ClinVar:

NM_016180.5(SLC45A2):c.888+1G>C

Gene: SLC45A2 (solute carrier family 45 member 2; minus strand). Cytogenetic location: 5p13.2.
Variant type: single nucleotide variant.
Coding change: c.888+1G>C on transcript NM_016180.5 (MANE Select); the canonical splice donor site of the intron after coding-DNA position 888, G replaced by C.
Molecular consequence: splice donor variant. On other transcripts: intron variant (1).
Genome position (GRCh38, 1-based): chr5:33,963,690, C>G on the plus strand (G>C on the coding strand, the complement: SLC45A2 is on the minus strand). VCF-style: chr5-33963690-C-G. GRCh37 (hg19) VCF-style: chr5-33963795-C-G.
Other names: c.888+1G>C (NM_001012509.4); c.563-9186G>C (NM_001297417.4).
Identifiers: ClinVar variation 3660805 (VCV003660805.2).

ClinVar aggregate classification (germline): Pathogenic (1 of 4 stars; one submission).

Submission:

Labcorp Genetics (formerly Invitae), Labcorp
Classification: Pathogenic. Last evaluated: 2024-09-10. Review status: criteria provided, single submitter. Criteria: Invitae Variant Classification Sherloc (09022015). Collection method: clinical testing. Allele origin: germline.
Comment: This sequence change affects a donor splice site in intron 3 of the SLC45A2 gene. It is expected to disrupt RNA splicing. Variants that disrupt the donor or acceptor splice site typically lead to a loss of protein function (PMID: 16199547), and loss-of-function variants in SLC45A2 are known to be pathogenic (PMID: 21458243, 26573111). This variant is not present in population databases (gnomAD no frequency). Disruption of this splice site has been observed in individuals with ocular albinism (PMID: 34838614; internal data). Algorithms developed to predict the effect of sequence changes on RNA splicing suggest that this variant may disrupt the consensus splice site. For these reasons, this variant has been classified as Pathogenic.

Literature cited by the submitters: PubMed 16199547; PubMed 21458243; PubMed 26573111; PubMed 34838614.